The following is an entry in ClinVar:

NM_003105.6(SORL1):c.1703G>C (p.Gly568Ala)

Gene: SORL1 (sortilin related receptor 1; plus strand). Cytogenetic location: 11q24.1.
Variant type: single nucleotide variant.
Coding change: c.1703G>C on transcript NM_003105.6 (MANE Select); coding-DNA position 1703, G replaced by C.
Protein change: p.Gly568Ala; replaces glycine 568 with alanine.
Molecular consequence: missense variant.
Genome position (GRCh38, 1-based): chr11:121,543,565, G>C. VCF-style: chr11-121543565-G-C. GRCh37 (hg19) VCF-style: chr11-121414274-G-C.
Other names: short protein forms G568A.
Identifiers: ClinVar variation 1715292 (VCV001715292.5), dbSNP rs2496867784, ClinGen allele CA383028588.
Genomic context (GRCh38, chr11:121,543,565, plus strand): 5'-AGAGACTTTCACTGCAAGGATTCTCTTACTTGCATTTGGGCAGATACAGTACCAATGAAG[G>C]GGAGACCTGGAAAACATTCATCTTCTCTGAGAAGCCAGTGTTTGTGTATGGCCTCCTCAC-3'
Protein context (NP_003096.2, residues 558-578): TNELKYSTNE[Gly568Ala]ETWKTFIFSE

ClinVar aggregate classification (germline): Uncertain significance (1 of 4 stars; one submission).

Submission:

Labcorp Genetics (formerly Invitae), Labcorp
Classification: Uncertain significance. Last evaluated: 2022-08-09. Review status: criteria provided, single submitter. Criteria: Invitae Variant Classification Sherloc (09022015). Collection method: clinical testing. Allele origin: germline.
Comment: Algorithms developed to predict the effect of missense changes on protein structure and function (SIFT, PolyPhen-2, Align-GVGD) all suggest that this variant is likely to be disruptive. This variant has not been reported in the literature in individuals affected with SORL1-related conditions. This variant is not present in population databases (gnomAD no frequency). This sequence change replaces glycine, which is neutral and non-polar, with alanine, which is neutral and non-polar, at codon 568 of the SORL1 protein (p.Gly568Ala). In summary, the available evidence is currently insufficient to determine the role of this variant in disease. Therefore, it has been classified as a Variant of Uncertain Significance.